The following is an entry in ClinVar:

NM_018429.3(BDP1):c.2210A>G (p.Lys737Arg)

Gene: BDP1 (BDP1 general transcription factor IIIB subunit; plus strand). Cytogenetic location: 5q13.2.
Variant type: single nucleotide variant.
Coding change: c.2210A>G on transcript NM_018429.3 (MANE Select); coding-DNA position 2210, A replaced by G.
Protein change: p.Lys737Arg; replaces lysine 737 with arginine.
Molecular consequence: missense variant.
Genome position (GRCh38, 1-based): chr5:71,502,760, A>G. VCF-style: chr5-71502760-A-G. GRCh37 (hg19) VCF-style: chr5-70798587-A-G.
Other names: short protein forms K737R.
Identifiers: ClinVar variation 804558 (VCV000804558.5), dbSNP rs746227158, ClinGen allele CA3296208.

ClinVar aggregate classification (germline): Likely benign. Review status: criteria provided, multiple submitters, no conflicts (2 of 4 stars). 3 submissions from 3 submitters: Likely benign (2). 1 of the submissions does not count toward it. Last evaluated 2021-05-19.

Conditions:
BDP1-related disorder. Also called: BDP1-related condition.

Allele frequency attached by ClinVar (database versions not stated): gnomAD 0.00009 and 0.00010; gnomAD exomes 0.00011 and 0.00056; TOPMed 0.00022; ExAC 0.00041.
gnomAD v4.1: 167 of 1,613,592 alleles (0.01%); highest among the groups gnomAD compares: Admixed American, 0.28%; no homozygotes.

Submissions (3):

GeneDx
Classification: Likely benign. Last evaluated: 2021-05-19. Review status: criteria provided, single submitter. Criteria: GeneDx Variant Classification Process June 2021. Collection method: clinical testing. Allele origin: germline. Affected: yes.

Athena Diagnostics
Classification: Likely benign. Last evaluated: 2019-03-21. Review status: criteria provided, single submitter. Criteria: Athena Diagnostics Criteria. Collection method: clinical testing. Allele origin: germline.

PreventionGenetics, part of Exact Sciences
Classification: Likely benign for BDP1-related condition. Last evaluated: 2022-09-14. Review status: no assertion criteria provided. Collection method: clinical testing. Allele origin: germline. Not counted in ClinVar's aggregate classification.
Comment: This variant is classified as likely benign based on ACMG/AMP sequence variant interpretation guidelines (Richards et al. 2015 PMID: 25741868, with internal and published modifications).